The following is an entry in ClinVar:

ClinVar aggregate classification (germline): Uncertain significance (1 of 4 stars; one submission).

Conditions:
Methylcobalamin deficiency type cblG (HMAG). Also called: Functional methionine synthase deficiency type cblG; HOMOCYSTINURIA-MEGALOBLASTIC ANEMIA, cblG COMPLEMENTATION TYPE; HOMOCYSTINURIA-MEGALOBLASTIC ANEMIA, cblG TYPE; HOMOCYSTINURIA-MEGALOBLASTIC ANEMIA DUE TO DEFECT IN COBALAMIN METABOLISM, cblG COMPLEMENTATION TYPE. Identifiers: Orphanet 2170, Orphanet 622, MedGen C1855128, MONDO:0009609, OMIM 250940.

Allele frequency attached by ClinVar (database versions not stated): ExAC 0.00002; gnomAD exomes 0.00002; TOPMed 0.00007; gnomAD 0.00009 and 0.00010.
gnomAD v4.1: 86 of 1,614,060 alleles (0.0053%); highest among the groups gnomAD compares: Middle Eastern, 0.016%; no homozygotes.

Submission:

Labcorp Genetics (formerly Invitae), Labcorp
Classification: Uncertain significance for Methylcobalamin deficiency type cblG. Last evaluated: 2022-01-02. Review status: criteria provided, single submitter. Criteria: Invitae Variant Classification Sherloc (09022015). Collection method: clinical testing. Allele origin: germline.
Comment: This sequence change replaces asparagine, which is neutral and polar, with serine, which is neutral and polar, at codon 23 of the MTR protein (p.Asn23Ser). This variant is present in population databases (rs760845484, gnomAD 0.008%). This variant has not been reported in the literature in individuals affected with MTR-related conditions. ClinVar contains an entry for this variant (Variation ID: 1002650). Algorithms developed to predict the effect of missense changes on protein structure and function (SIFT, PolyPhen-2, Align-GVGD) all suggest that this variant is likely to be tolerated. In summary, the available evidence is currently insufficient to determine the role of this variant in disease. Therefore, it has been classified as a Variant of Uncertain Significance.

NM_000254.3(MTR):c.68A>G (p.Asn23Ser)

Gene: MTR (5-methyltetrahydrofolate-homocysteine methyltransferase; plus strand). Cytogenetic location: 1q43.
Variant type: single nucleotide variant.
Coding change: c.68A>G on transcript NM_000254.3 (MANE Select); coding-DNA position 68, A replaced by G.
Protein change: p.Asn23Ser; replaces asparagine 23 with serine.
Molecular consequence: missense variant. On other transcripts: 5 prime UTR variant (1).
Genome position (GRCh38, 1-based): chr1:236,803,461, A>G. VCF-style: chr1-236803461-A-G. GRCh37 (hg19) VCF-style: chr1-236966761-A-G.
Other names: c.68A>G, p.Asn23Ser (NM_001291939.1); c.-1041A>G (NM_001291940.2); short protein forms N23S.
Identifiers: ClinVar variation 1002650 (VCV001002650.6), dbSNP rs760845484, ClinGen allele CA1473629.